The following is an entry in ClinVar:

NM_007262.5(PARK7):c.28C>G (p.Leu10Val)

Gene: PARK7 (Parkinsonism associated deglycase; plus strand). Cytogenetic location: 1p36.23.
Variant type: single nucleotide variant.
Coding change: c.28C>G on transcript NM_007262.5 (MANE Select); coding-DNA position 28, C replaced by G.
Protein change: p.Leu10Val; replaces leucine 10 with valine.
Molecular consequence: missense variant.
Genome position (GRCh38, 1-based): chr1:7,962,813, C>G. VCF-style: chr1-7962813-C-G. GRCh37 (hg19) VCF-style: chr1-8022873-C-G.
Other names: c.28C>G, p.Leu10Val (NM_001123377.2); short protein forms L10V.
Identifiers: ClinVar variation 643343 (VCV000643343.8), dbSNP rs1309873819, ClinGen allele CA338163926.

ClinVar aggregate classification (germline): Uncertain significance (1 of 4 stars; one submission).

Conditions:
Autosomal recessive early-onset Parkinson disease 7. Identifiers: Orphanet 2828, MedGen C1853445, MONDO:0011658, OMIM 606324.

Allele frequency attached by ClinVar (database versions not stated): gnomAD 0.00001.
gnomAD v4.1: 3 of 1,611,552 alleles (0.00019%); highest among the groups gnomAD compares: Non-Finnish European, 0.00025%; no homozygotes.

Submission:

Labcorp Genetics (formerly Invitae), Labcorp
Classification: Uncertain significance for Autosomal recessive early-onset Parkinson disease 7. Last evaluated: 2018-11-29. Review status: criteria provided, single submitter. Criteria: Invitae Variant Classification Sherloc (09022015). Collection method: clinical testing. Allele origin: germline.
Comment: Algorithms developed to predict the effect of missense changes on protein structure and function are either unavailable or do not agree on the potential impact of this missense change (SIFT: "Deleterious"; PolyPhen-2: "Benign"; Align-GVGD: "Class C25"). In summary, the available evidence is currently insufficient to determine the role of this variant in disease. Therefore, it has been classified as a Variant of Uncertain Significance. This variant has not been reported in the literature in individuals with PARK7-related conditions. This variant is not present in population databases (ExAC no frequency). This sequence change replaces leucine with valine at codon 10 of the PARK7 protein (p.Leu10Val). The leucine residue is highly conserved and there is a small physicochemical difference between leucine and valine.